The following is an entry in ClinVar:

NM_001130438.3(SPTAN1):c.3253G>A (p.Gly1085Ser)

Gene: SPTAN1 (spectrin alpha, non-erythrocytic 1; plus strand). Cytogenetic location: 9q34.11.
Variant type: single nucleotide variant.
Coding change: c.3253G>A on transcript NM_001130438.3 (MANE Select); coding-DNA position 3253, G replaced by A.
Protein change: p.Gly1085Ser; replaces glycine 1085 with serine.
Molecular consequence: missense variant.
Genome position (GRCh38, 1-based): chr9:128,594,212, G>A. VCF-style: chr9-128594212-G-A. GRCh37 (hg19) VCF-style: chr9-131356491-G-A.
Other names: c.3193G>A, p.Gly1065Ser (NM_001195532.2, NM_001363765.2, NM_001375314.2); c.3253G>A, p.Gly1085Ser (NM_001363759.2, NM_001375310.1, NM_001375311.2 and 2 more transcripts); c.3289G>A, p.Gly1097Ser (NM_001375312.2, NM_001375318.1); short protein forms G1085S, G1065S, G1097S.
Identifiers: ClinVar variation 1994855 (VCV001994855.4), dbSNP rs2541452211, ClinGen allele CA375061723.
Genomic context (GRCh38, chr9:128,594,212, plus strand): 5'-GTCACCCTCTTGAATTCCATCAGATATCATTCTCTGCTGGAACTGGGTGAGAAGCGTAAA[G>A]GCATGTTGGAGAAGAGTTGCAAGAAGTTTATGTTGTTCCGTGAAGCGAATGAACTACAGC-3'
Protein context (NP_001123910.1, residues 1075-1095): SLLELGEKRK[Gly1085Ser]MLEKSCKKFM

ClinVar aggregate classification (germline): Uncertain significance (1 of 4 stars; one submission).

Conditions:
Early-infantile DEE. Also called: Ohtahara syndrome; Early infantile epileptic encephalopathy; Early infantile epileptic encephalopathy with suppression bursts. Identifiers: Orphanet 1934, MedGen C0393706, MONDO:0800491.

Submission:

Labcorp Genetics (formerly Invitae), Labcorp
Classification: Uncertain significance for Early-infantile DEE. Last evaluated: 2022-11-29. Review status: criteria provided, single submitter. Criteria: Invitae Variant Classification Sherloc (09022015). Collection method: clinical testing. Allele origin: germline.
Comment: In summary, the available evidence is currently insufficient to determine the role of this variant in disease. Therefore, it has been classified as a Variant of Uncertain Significance. Algorithms developed to predict the effect of missense changes on protein structure and function (SIFT, PolyPhen-2, Align-GVGD) all suggest that this variant is likely to be tolerated. This variant has not been reported in the literature in individuals affected with SPTAN1-related conditions. This variant is not present in population databases (gnomAD no frequency). This sequence change replaces glycine, which is neutral and non-polar, with serine, which is neutral and polar, at codon 1085 of the SPTAN1 protein (p.Gly1085Ser).